The following is an entry in ClinVar:

ClinVar aggregate classification (germline): Uncertain significance. Review status: criteria provided, multiple submitters, no conflicts (2 of 4 stars). 2 submissions from 2 submitters: Uncertain significance (2). Last evaluated 2023-09-25.

Conditions:
Inborn genetic diseases. Identifiers: MedGen C0950123, MeSH D030342.
Inflammatory bowel disease 28. Also called: Inflammatory bowel disease 28, early onset, autosomal recessive. Identifiers: Orphanet 238569, MedGen C2751053, MONDO:0013153, OMIM 613148.

gnomAD v4.1: 16 of 1,614,144 alleles (0.00099%); highest among the groups gnomAD compares: Non-Finnish European, 0.0014%; no homozygotes.

Submissions (2):

Ambry Genetics
Classification: Uncertain significance for Inborn genetic diseases. Last evaluated: 2023-09-25. Review status: criteria provided, single submitter. Criteria: Ambry Variant Classification Scheme 2023. Collection method: clinical testing. Allele origin: germline.

Labcorp Genetics (formerly Invitae), Labcorp
Classification: Uncertain significance for Inflammatory bowel disease 28. Last evaluated: 2022-03-07. Review status: criteria provided, single submitter. Criteria: Invitae Variant Classification Sherloc (09022015). Collection method: clinical testing. Allele origin: germline.
Comment: In summary, the available evidence is currently insufficient to determine the role of this variant in disease. Therefore, it has been classified as a Variant of Uncertain Significance. Algorithms developed to predict the effect of missense changes on protein structure and function output the following: SIFT: "Tolerated"; PolyPhen-2: "Benign"; Align-GVGD: "Class C0". The threonine amino acid residue is found in multiple mammalian species, which suggests that this missense change does not adversely affect protein function. This variant has not been reported in the literature in individuals affected with IL10RA-related conditions. This variant is present in population databases (rs779845571, gnomAD 0.004%). This sequence change replaces alanine, which is neutral and non-polar, with threonine, which is neutral and polar, at codon 440 of the IL10RA protein (p.Ala440Thr).

NM_001558.4(IL10RA):c.1318G>A (p.Ala440Thr)

Gene: IL10RA (interleukin 10 receptor subunit alpha; plus strand). Cytogenetic location: 11q23.3.
Variant type: single nucleotide variant.
Coding change: c.1318G>A on transcript NM_001558.4 (MANE Select); coding-DNA position 1318, G replaced by A.
Protein change: p.Ala440Thr; replaces alanine 440 with threonine.
Molecular consequence: missense variant. On other transcripts: non-coding transcript variant (1).
Genome position (GRCh38, 1-based): chr11:117,999,222, G>A. VCF-style: chr11-117999222-G-A. GRCh37 (hg19) VCF-style: chr11-117869937-G-A.
Other names: c.1318G>A (NM_001558.3); short protein forms A440T.
Identifiers: ClinVar variation 1437690 (VCV001437690.8), dbSNP rs779845571, ClinGen allele CA6299169.